The following is an entry in ClinVar:

NM_172364.5(CACNA2D4):c.1657G>A (p.Gly553Arg)

Gene: CACNA2D4 (calcium voltage-gated channel auxiliary subunit alpha2delta 4; minus strand). Cytogenetic location: 12p13.33.
Variant type: single nucleotide variant.
Coding change: c.1657G>A on transcript NM_172364.5 (MANE Select); coding-DNA position 1657, G replaced by A.
Protein change: p.Gly553Arg; replaces glycine 553 with arginine.
Molecular consequence: missense variant.
Genome position (GRCh38, 1-based): chr12:1,878,377, C>T on the plus strand (G>A on the coding strand, the complement: CACNA2D4 is on the minus strand). VCF-style: chr12-1878377-C-T. GRCh37 (hg19) VCF-style: chr12-1987543-C-T.
Other names: short protein forms G553R.
Identifiers: ClinVar variation 2127310 (VCV002127310.5), dbSNP rs1336815814, ClinGen allele CA383353775.

ClinVar aggregate classification (germline): Uncertain significance. Review status: criteria provided, multiple submitters, no conflicts (2 of 4 stars). 2 submissions from 2 submitters: Uncertain significance (2). Last evaluated 2024-03-13.

Allele frequency attached by ClinVar (database versions not stated): gnomAD exomes below 0.00001.
gnomAD v4.1: 6 of 1,604,996 alleles (0.00037%); highest among the groups gnomAD compares: South Asian, 0.0023%; no homozygotes.

Submissions (2):

Blueprint Genetics
Classification: Uncertain significance. Last evaluated: 2024-03-13. Review status: criteria provided, single submitter. Criteria: ACMG Guidelines, 2015. Collection method: clinical testing. Allele origin: germline.

Labcorp Genetics (formerly Invitae), Labcorp
Classification: Uncertain significance. Last evaluated: 2022-04-24. Review status: criteria provided, single submitter. Criteria: Invitae Variant Classification Sherloc (09022015). Collection method: clinical testing. Allele origin: germline.
Comment: In summary, the available evidence is currently insufficient to determine the role of this variant in disease. Therefore, it has been classified as a Variant of Uncertain Significance. Algorithms developed to predict the effect of sequence changes on RNA splicing suggest that this variant may disrupt the consensus splice site. Algorithms developed to predict the effect of missense changes on protein structure and function are either unavailable or do not agree on the potential impact of this missense change (SIFT: "Deleterious"; PolyPhen-2: "Probably Damaging"; Align-GVGD: "Class C15"). This variant has not been reported in the literature in individuals affected with CACNA2D4-related conditions. This variant is not present in population databases (gnomAD no frequency). This sequence change replaces glycine, which is neutral and non-polar, with arginine, which is basic and polar, at codon 553 of the CACNA2D4 protein (p.Gly553Arg).